The following is an entry in ClinVar:

NM_001242896.3(DEPDC5):c.1580G>T (p.Gly527Val)

Gene: DEPDC5 (DEP domain containing 5, GATOR1 subcomplex subunit; plus strand). Cytogenetic location: 22q12.3.
Variant type: single nucleotide variant.
Coding change: c.1580G>T on transcript NM_001242896.3 (MANE Select); coding-DNA position 1580, G replaced by T.
Protein change: p.Gly527Val; replaces glycine 527 with valine.
Molecular consequence: missense variant. On other transcripts: non-coding transcript variant (5).
Genome position (GRCh38, 1-based): chr22:31,815,126, G>T. VCF-style: chr22-31815126-G-T. GRCh37 (hg19) VCF-style: chr22-32211112-G-T.
Other names: c.1580G>T, p.Gly527Val (NM_001007188.4, NM_001136029.4, NM_001242897.2 and 7 more transcripts); c.1496G>T, p.Gly499Val (NM_001369901.1, NM_001369902.1); c.1580G>T (NM_001242896.1); short protein forms G499V, G527V.
Identifiers: ClinVar variation 1718244 (VCV001718244.6), dbSNP rs2088920601, ClinGen allele CA411278372.

ClinVar aggregate classification (germline): Uncertain significance. Review status: criteria provided, multiple submitters, no conflicts (2 of 4 stars). 2 submissions from 2 submitters: Uncertain significance (2). Last evaluated 2023-12-02.

Conditions:
Familial focal epilepsy with variable foci (FPEVF). Identifiers: Orphanet 98820, MedGen C1858477, MONDO:0020310.

Submissions (2):

GeneDx
Classification: Uncertain significance. Last evaluated: 2023-12-02. Review status: criteria provided, single submitter. Criteria: GeneDx Variant Classification Process June 2021. Collection method: clinical testing. Allele origin: germline. Affected: yes.
Comment: Not observed at significant frequency in large population cohorts (gnomAD); In silico analysis supports that this missense variant does not alter protein structure/function; Has not been previously published as pathogenic or benign to our knowledge

Labcorp Genetics (formerly Invitae), Labcorp
Classification: Uncertain significance for Familial focal epilepsy with variable foci. Last evaluated: 2022-08-28. Review status: criteria provided, single submitter. Criteria: Invitae Variant Classification Sherloc (09022015). Collection method: clinical testing. Allele origin: germline.
Comment: In summary, the available evidence is currently insufficient to determine the role of this variant in disease. Therefore, it has been classified as a Variant of Uncertain Significance. Algorithms developed to predict the effect of missense changes on protein structure and function are either unavailable or do not agree on the potential impact of this missense change (SIFT: "Deleterious"; PolyPhen-2: "Not Available"; Align-GVGD: "Class C0"). This variant has not been reported in the literature in individuals affected with DEPDC5-related conditions. This variant is not present in population databases (gnomAD no frequency). This sequence change replaces glycine, which is neutral and non-polar, with valine, which is neutral and non-polar, at codon 527 of the DEPDC5 protein (p.Gly527Val).